The following is an entry in ClinVar:

ClinVar aggregate classification (germline): Uncertain significance. Review status: criteria provided, multiple submitters, no conflicts (2 of 4 stars). 2 submissions from 2 submitters: Uncertain significance (2). Last evaluated 2025-06-18.

Conditions:
Disseminated atypical mycobacterial infection. Identifiers: MedGen C0694566.
Inborn genetic diseases. Identifiers: MedGen C0950123, MeSH D030342.

Allele frequency attached by ClinVar (database versions not stated): TOPMed 0.00001; gnomAD exomes 0.00007 and 0.00003; 1000 Genomes Project 0.00040; gnomAD below 0.00001 and 0.00002; ExAC 0.00007; 1000 Genomes Project 30x 0.00062.

Submissions (2):

Ambry Genetics
Classification: Uncertain significance for Inborn genetic diseases. Last evaluated: 2025-06-18. Review status: criteria provided, single submitter. Criteria: Ambry Variant Classification Scheme 2023. Collection method: clinical testing. Allele origin: germline.

Labcorp Genetics (formerly Invitae), Labcorp
Classification: Uncertain significance for Disseminated atypical mycobacterial infection. Last evaluated: 2024-03-27. Review status: criteria provided, single submitter. Criteria: Invitae Variant Classification Sherloc (09022015). Collection method: clinical testing. Allele origin: germline.
Comment: This sequence change replaces asparagine, which is neutral and polar, with aspartic acid, which is acidic and polar, at codon 34 of the IFNGR1 protein (p.Asn34Asp). This variant is present in population databases (rs555180897, gnomAD 0.06%). This variant has not been reported in the literature in individuals affected with IFNGR1-related conditions. ClinVar contains an entry for this variant (Variation ID: 462773). Advanced modeling of protein sequence and biophysical properties (such as structural, functional, and spatial information, amino acid conservation, physicochemical variation, residue mobility, and thermodynamic stability) performed at Invitae indicates that this missense variant is not expected to disrupt IFNGR1 protein function with a negative predictive value of 80%. In summary, the available evidence is currently insufficient to determine the role of this variant in disease. Therefore, it has been classified as a Variant of Uncertain Significance.

NM_000416.3(IFNGR1):c.100A>G (p.Asn34Asp)

Gene: IFNGR1 (interferon gamma receptor 1; minus strand). Cytogenetic location: 6q23.3.
Variant type: single nucleotide variant.
Coding change: c.100A>G on transcript NM_000416.3 (MANE Select); coding-DNA position 100, A replaced by G.
Protein change: p.Asn34Asp; replaces asparagine 34 with aspartic acid.
Molecular consequence: missense variant. On other transcripts: 5 prime UTR variant (1).
Genome position (GRCh38, 1-based): chr6:137,207,063, T>C on the plus strand (A>G on the coding strand, the complement: IFNGR1 is on the minus strand). VCF-style: chr6-137207063-T-C. GRCh37 (hg19) VCF-style: chr6-137528200-T-C.
Other names: c.70A>G, p.Asn24Asp (NM_001363526.1); c.-24A>G (NM_001363527.1); short protein forms N34D, N24D.
Identifiers: ClinVar variation 462773 (VCV000462773.13), dbSNP rs555180897, ClinGen allele CA4019047.